The following is an entry in ClinVar:

ClinVar aggregate classification (germline): Uncertain significance (1 of 4 stars; one submission).

gnomAD v4.1: 2 of 1,614,192 alleles (0.00012%); highest among the groups gnomAD compares: Non-Finnish European, 0.00017%; no homozygotes.

Submission:

Labcorp Genetics (formerly Invitae), Labcorp
Classification: Uncertain significance. Last evaluated: 2024-02-06. Review status: criteria provided, single submitter. Criteria: Invitae Variant Classification Sherloc (09022015). Collection method: clinical testing. Allele origin: germline.
Comment: This sequence change replaces serine, which is neutral and polar, with alanine, which is neutral and non-polar, at codon 181 of the PCK2 protein (p.Ser181Ala). This variant is not present in population databases (gnomAD no frequency). This variant has not been reported in the literature in individuals affected with PCK2-related conditions. Advanced modeling of protein sequence and biophysical properties (such as structural, functional, and spatial information, amino acid conservation, physicochemical variation, residue mobility, and thermodynamic stability) performed at Invitae indicates that this missense variant is expected to disrupt PCK2 protein function with a positive predictive value of 80%. In summary, the available evidence is currently insufficient to determine the role of this variant in disease. Therefore, it has been classified as a Variant of Uncertain Significance.

NM_004563.4(PCK2):c.541T>G (p.Ser181Ala)

Genes: NRL (neural retina leucine zipper; minus strand), PCK2 (phosphoenolpyruvate carboxykinase 2, mitochondrial; plus strand). Cytogenetic location: 14q11.2.
Variant type: single nucleotide variant.
Coding change: c.541T>G on transcript NM_004563.4 (MANE Select); coding-DNA position 541, T replaced by G.
Protein change: p.Ser181Ala; replaces serine 181 with alanine.
Molecular consequence: missense variant. On other transcripts: intron variant (3).
Genome position (GRCh38, 1-based): chr14:24,098,555, T>G. VCF-style: chr14-24098555-T-G. GRCh37 (hg19) VCF-style: chr14-24567764-T-G.
Other names: c.541T>G, p.Ser181Ala (NM_001018073.3); c.139T>G, p.Ser47Ala (NM_001291556.2, NM_001308054.2); c.-27-15680A>C (NM_001354768.3, NM_001354770.2); c.-253-13810A>C (NM_006177.5); short protein forms S181A, S47A.
Identifiers: ClinVar variation 3618285 (VCV003618285.2).
Genomic context (GRCh38, chr14:24,098,555, plus strand): 5'-CCATTCAGCATGGGTCCTGTGGGCTCCCCGCTGTCCCGCATCGGGGTGCAGCTCACTGAC[T>G]CAGCCTATGTGGTGGCAAGCATGCGTATTATGACCCGACTGGGGACACCTGTGCTTCAGG-3'
Protein context (NP_004554.3, residues 171-191): LSRIGVQLTD[Ser181Ala]AYVVASMRIM